The following is an entry in ClinVar:

NM_000051.4(ATM):c.5409C>T (p.Asp1803=)

Gene: ATM (ATM serine/threonine kinase; plus strand). Cytogenetic location: 11q22.3.
Variant type: single nucleotide variant.
Coding change: c.5409C>T on transcript NM_000051.4 (MANE Select); coding-DNA position 5409, C replaced by T.
Protein change: p.Asp1803=; no amino-acid change (aspartic acid 1803 retained).
Molecular consequence: synonymous variant.
Genome position (GRCh38, 1-based): chr11:108,302,942, C>T. VCF-style: chr11-108302942-C-T. GRCh37 (hg19) VCF-style: chr11-108173669-C-T.
Other names: c.5409C>T, p.Asp1803= (NM_001351834.2).
Identifiers: ClinVar variation 453576 (VCV000453576.16), dbSNP rs1555106462, ClinGen allele CA476674955.

ClinVar aggregate classification (germline): Benign/Likely benign. Review status: criteria provided, multiple submitters, no conflicts (2 of 4 stars). 4 submissions from 4 submitters: Benign (1); Likely benign (3). Last evaluated 2025-05-20.

Conditions:
Hereditary cancer-predisposing syndrome. Also called: Tumor predisposition; Hereditary Cancer Syndrome; Neoplastic Syndromes, Hereditary; Hereditary neoplastic syndrome. Identifiers: Orphanet 140162, MedGen C0027672, MeSH D009386, MONDO:0015356.
Familial cancer of breast. Also called: Hereditary breast cancer; hereditary breast carcinoma; BREAST CANCER, FAMILIAL. Identifiers: Orphanet 227535, MedGen C0346153, MONDO:0016419, OMIM 114480. Disease mechanism: loss of function.
Ataxia-telangiectasia syndrome (AT). Also called: Cerebello-oculocutaneous telangiectasia; Immunodeficiency with ataxia telangiectasia; Ataxia-telangiectasia, complementation group D; AT, COMPLEMENTATION GROUP C; Ataxia-telangiectasia, complementation group E; LOUIS-BAR SYNDROME. Identifiers: Orphanet 100, MedGen C0004135, MONDO:0008840, OMIM 208900.

Allele frequency attached by ClinVar (database versions not stated): gnomAD exomes below 0.00001; TOPMed below 0.00001.
gnomAD v4.1: 3 of 1,613,288 alleles (0.00019%); highest among the groups gnomAD compares: East Asian, 0.0045%; no homozygotes.

Submissions (4):

Color Diagnostics, LLC DBA Color Health
Classification: Likely benign for Hereditary cancer-predisposing syndrome. Last evaluated: 2025-05-20. Review status: criteria provided, single submitter. Criteria: ACMG Guidelines, 2015. Collection method: clinical testing. Allele origin: germline.

Myriad Genetics, Inc.
Classification: Benign for Familial cancer of breast. Last evaluated: 2024-05-23. Review status: criteria provided, single submitter. Criteria: Myriad Autosomal Dominant, Autosomal Recessive and X-Linked Classification Criteria (2023). Collection method: clinical testing. Allele origin: unknown.
Comment: This variant is considered benign. This variant is a silent/synonymous amino acid change and it is not expected to impact splicing.

Labcorp Genetics (formerly Invitae), Labcorp
Classification: Likely benign for Ataxia-telangiectasia syndrome. Last evaluated: 2023-08-17. Review status: criteria provided, single submitter. Criteria: Invitae Variant Classification Sherloc (09022015). Collection method: clinical testing. Allele origin: germline.

Ambry Genetics
Classification: Likely benign for Hereditary cancer-predisposing syndrome. Last evaluated: 2019-02-07. Review status: criteria provided, single submitter. Criteria: Ambry Variant Classification Scheme 2023. Collection method: clinical testing. Allele origin: germline.